The following is an entry in ClinVar:

ClinVar aggregate classification (germline): Benign/Likely benign. Review status: criteria provided, multiple submitters, no conflicts (2 of 4 stars). 4 submissions from 3 submitters: Benign (3); Likely benign (1). Last evaluated 2023-07-01.

Conditions:
Autosomal dominant nonsyndromic hearing loss 17. Also called: Deafness, autosomal dominant 17; Autosomal dominant nonsyndromic deafness 17. Identifiers: Orphanet 90635, MedGen C1863659, MONDO:0011350, OMIM 603622.
MYH9-related disorder. Identifiers: MedGen C1854520.

Allele frequency attached by ClinVar (database versions not stated): 1000 Genomes Project 30x 0.00437; 1000 Genomes Project 0.00479; TOPMed 0.00713; gnomAD 0.00928 and 0.00965; gnomAD exomes 0.01049.
gnomAD v4.1: 6,364 of 624,604 alleles (1%); highest among the groups gnomAD compares: Non-Finnish European, 1.2%; 64 homozygotes.

Submissions (4):

CeGaT Center for Human Genetics Tuebingen
Classification: Benign. Last evaluated: 2023-07-01. Review status: criteria provided, single submitter. Criteria: CeGaT Center For Human Genetics Tuebingen Variant Classification Criteria Version 2. Collection method: clinical testing. Allele origin: germline. Affected: yes. Observed: 4 variant alleles.
Comment: MYH9: BS1, BS2

GeneDx
Classification: Likely benign. Last evaluated: 2018-12-24. Review status: criteria provided, single submitter. Criteria: GeneDx Variant Classification Process June 2021. Collection method: clinical testing. Allele origin: germline. Affected: yes.

Illumina Laboratory Services, Illumina
Classification: Benign for Autosomal dominant nonsyndromic hearing loss 17. Last evaluated: 2018-01-13. Review status: criteria provided, single submitter. Criteria: ICSL Variant Classification Criteria 13 December 2019. Collection method: clinical testing. Allele origin: germline.
Comment: This variant was observed in the ICSL laboratory as part of a predisposition screen in an ostensibly healthy population. It had not been previously curated by ICSL or reported in the Human Gene Mutation Database (HGMD: prior to June 1st, 2018), and was therefore a candidate for classification through an automated scoring system. Utilizing variant allele frequency, disease prevalence and penetrance estimates, and inheritance mode, an automated score was calculated to assess if this variant is too frequent to cause the disease. Based on the score and internal cut-off values, a variant classified as benign is not then subjected to further curation. The score for this variant resulted in a classification of benign for this disease.

Illumina Laboratory Services, Illumina
Classification: Benign for MYH9-related disorder. Last evaluated: 2018-01-13. Review status: criteria provided, single submitter. Criteria: ICSL Variant Classification Criteria 13 December 2019. Collection method: clinical testing. Allele origin: germline.
Comment: the same text as in the submission from Illumina Laboratory Services, Illumina above.

NM_002473.6(MYH9):c.*243C>T

Gene: MYH9 (myosin heavy chain 9; minus strand). Cytogenetic location: 22q12.3.
Variant type: single nucleotide variant.
Coding change: c.*243C>T on transcript NM_002473.6 (MANE Select); 243 bases downstream of the stop codon, C replaced by T.
Molecular consequence: 3 prime UTR variant.
Genome position (GRCh38, 1-based): chr22:36,282,425, G>A on the plus strand (C>T on the coding strand, the complement: MYH9 is on the minus strand). VCF-style: chr22-36282425-G-A. GRCh37 (hg19) VCF-style: chr22-36678471-G-A.
Identifiers: ClinVar variation 341481 (VCV000341481.33), dbSNP rs136201, ClinGen allele CA10653453.